The following is an entry in ClinVar:

ClinVar aggregate classification (germline): Uncertain significance. Review status: criteria provided, multiple submitters, no conflicts (2 of 4 stars). 2 submissions from 2 submitters: Uncertain significance (2). Last evaluated 2021-10-17.

Conditions:
Cardiovascular phenotype. Identifiers: MedGen CN230736.

Allele frequency attached by ClinVar (database versions not stated): gnomAD exomes 0.00001.
gnomAD v4.1: 5 of 1,614,084 alleles (0.00031%); highest among the groups gnomAD compares: Non-Finnish European, 0.00042%; no homozygotes.

Submissions (2):

Women's Health and Genetics/Laboratory Corporation of America, LabCorp
Classification: Uncertain significance. Last evaluated: 2021-10-17. Review status: criteria provided, single submitter. Criteria: LabCorp Variant Classification Summary - May 2015. Collection method: clinical testing. Allele origin: germline.

Ambry Genetics
Classification: Uncertain significance for Cardiovascular phenotype. Last evaluated: 2020-09-18. Review status: criteria provided, single submitter. Criteria: Ambry Variant Classification Scheme 2023. Collection method: clinical testing. Allele origin: germline.
Comment: The p.M3186L variant (also known as c.9556A>T), located in coding exon 11 of the ALMS1 gene, results from an A to T substitution at nucleotide position 9556. The methionine at codon 3186 is replaced by leucine, an amino acid with highly similar properties. This amino acid position is poorly conserved in available vertebrate species. In addition, this alteration is predicted to be tolerated by in silico analysis. Since supporting evidence is limited at this time, the clinical significance of this alteration remains unclear.

NM_001378454.1(ALMS1):c.9553A>T (p.Met3185Leu)

Gene: ALMS1 (ALMS1 centrosome and basal body associated protein; plus strand). Cytogenetic location: 2p13.1.
Variant type: single nucleotide variant.
Coding change: c.9553A>T on transcript NM_001378454.1 (MANE Select); coding-DNA position 9553, A replaced by T.
Protein change: p.Met3185Leu; replaces methionine 3185 with leucine.
Molecular consequence: missense variant.
Genome position (GRCh38, 1-based): chr2:73,519,788, A>T. VCF-style: chr2-73519788-A-T. GRCh37 (hg19) VCF-style: chr2-73746915-A-T.
Other names: c.9556A>T, p.Met3186Leu (NM_015120.4); short protein forms M3185L, M3186L.
Identifiers: ClinVar variation 1321385 (VCV001321385.3), dbSNP rs1421714540, ClinGen allele CA347280749.